The following is an entry in ClinVar:

NM_019892.6(INPP5E):c.1159+8C>T

Gene: INPP5E (inositol polyphosphate-5-phosphatase E; minus strand). Cytogenetic location: 9q34.3.
Variant type: single nucleotide variant.
Coding change: c.1159+8C>T on transcript NM_019892.6 (MANE Select); 8 bases into the intron after coding-DNA position 1159, C replaced by T.
Molecular consequence: intron variant.
Genome position (GRCh38, 1-based): chr9:136,433,147, G>A on the plus strand (C>T on the coding strand, the complement: INPP5E is on the minus strand). VCF-style: chr9-136433147-G-A. GRCh37 (hg19) VCF-style: chr9-139327599-G-A.
Other names: c.1159+8C>T (NM_001318502.2).
Identifiers: ClinVar variation 129264 (VCV000129264.23), dbSNP rs73566945, ClinGen allele CA153153.

ClinVar aggregate classification (germline): Benign/Likely benign. Review status: criteria provided, multiple submitters, no conflicts (2 of 4 stars). 7 submissions from 7 submitters: Benign (5); Likely benign (1). 1 of the submissions does not count toward it. Last evaluated 2026-01-20.

Conditions:
Joubert syndrome 1 (JBTS1). Also called: Cerebellooculorenal syndrome 1; CEREBELLOPARENCHYMAL DISORDER IV. Identifiers: MedGen C4551568, MONDO:0008944, OMIM 213300.
Joubert syndrome. Also called: Familial aplasia of the vermis; JOUBERT-BOLTSHAUSER SYNDROME. Identifiers: Orphanet 475, MedGen C5979921, MONDO:0018772.

Allele frequency attached by ClinVar (database versions not stated): gnomAD 0.00265 and 0.00276; ExAC 0.01033; 1000 Genomes Project 0.19788.
gnomAD v4.1: 2,307 of 1,599,200 alleles (0.14%); highest among the groups gnomAD compares: African/African-American, 0.47%; 7 homozygotes.

Submissions (7):

Labcorp Genetics (formerly Invitae), Labcorp
Classification: Benign for Joubert syndrome. Last evaluated: 2026-01-20. Review status: criteria provided, single submitter. Criteria: Invitae Variant Classification Sherloc (09022015). Collection method: clinical testing. Allele origin: germline.

Blueprint Genetics
Classification: Likely benign. Last evaluated: 2024-11-26. Review status: criteria provided, single submitter. Criteria: ACMG Guidelines, 2015. Collection method: clinical testing. Allele origin: germline.

Illumina Laboratory Services, Illumina
Classification: Benign for Joubert syndrome 1. Last evaluated: 2017-04-27. Review status: criteria provided, single submitter. Criteria: ICSL Variant Classification Criteria 13 December 2019. Collection method: clinical testing. Allele origin: germline.
Comment: This variant was observed as part of a predisposition screen in an ostensibly healthy population. A literature search was performed for the gene, cDNA change, and amino acid change (where applicable). No publications were found based on this search. Allele frequency data from public databases was too high to be consistent with this variant causing disease. Therefore, this variant is classified as benign.

GeneDx
Classification: Benign. Last evaluated: 2015-03-03. Review status: criteria provided, single submitter. Criteria: GeneDx Variant Classification Process June 2021. Collection method: clinical testing. Allele origin: germline. Affected: yes.

Breakthrough Genomics
Classification: Benign. Review status: criteria provided, single submitter. Criteria: ACMG Guidelines, 2015. Collection method: not provided. Allele origin: germline. Inheritance: Autosomal recessive inheritance. Affected: yes.

PreventionGenetics, part of Exact Sciences
Classification: Benign. Review status: criteria provided, single submitter. Criteria: ACMG Guidelines, 2015. Collection method: clinical testing. Allele origin: germline.

Genetic Services Laboratory, University of Chicago
Classification: Likely benign for AllHighlyPenetrant. Review status: no assertion criteria provided. Collection method: clinical testing. Allele origin: germline. Inheritance: Autosomal recessive inheritance. Not counted in ClinVar's aggregate classification.
Comment: Likely benign based on allele frequency in 1000 Genomes Project or ESP global frequency and its presence in a patient with a rare or unrelated disease phenotype. NOT Sanger confirmed.